The following is an entry in ClinVar:

NM_001458.5(FLNC):c.5274_5281del (p.Gly1760fs)

Gene: FLNC (filamin C; plus strand). Cytogenetic location: 7q32.1.
Variant type: Deletion.
Coding change: c.5274_5281del on transcript NM_001458.5 (MANE Select); coding-DNA positions 5274 to 5281, 8 bases deleted (GCCCGGCG; older notation c.5274_5281delGCCCGGCG).
Protein change: p.Gly1760fs; shifts the reading frame from glycine 1760.
Molecular consequence: frameshift variant. On other transcripts: intron variant (1).
Genome position (GRCh38, 1-based): chr7:128,850,050-128,850,057, GCCCGGCG deleted; deleting any 8 consecutive bases within chr7:128,850,048-128,850,057 gives the same sequence; the c. name uses the placement nearest the transcript's 3' end. VCF-style (leftmost placement, unchanged base first): chr7-128850047-CCGGCCCGG-C. GRCh37 (hg19) VCF-style: chr7-128490101-CCGGCCCGG-C.
Other names: c.5200-334_5200-327del (NM_001127487.2); short protein forms G1760fs.
Identifiers: ClinVar variation 3752314 (VCV003752314.2).
Genomic context (GRCh38, chr7:128,850,047, plus strand): 5'-CCTGCCGCACGAGGAGGAGCCCTCTGAAGTGCCACAGCTGCGCCAGCCCTACGCTCCTCC[CCGGCCCGG>C]CGCCCGCCCCACACACTGGGTACTGCGCCTCCCACCAGGCGATGTCCTCCTCCTCCTCCC-3'

ClinVar aggregate classification (germline): Pathogenic (1 of 4 stars; one submission).

Conditions:
Distal myopathy with posterior leg and anterior hand involvement. Also called: WILLIAMS DISTAL MYOPATHY. Identifiers: Orphanet 63273, MedGen C3279722, MONDO:0013550, OMIM 614065.
Hypertrophic cardiomyopathy 26. Also called: Cardiomyopathy, familial hypertrophic, 26. Identifiers: Orphanet 75249, MedGen C4310749, MONDO:0014883, OMIM 617047.
Myofibrillar myopathy 5. Also called: Filaminopathy (type); FILAMINOPATHY, AUTOSOMAL DOMINANT. Identifiers: Orphanet 171445, MedGen C1836050, MONDO:0012289, OMIM 609524.

Submission:

Labcorp Genetics (formerly Invitae), Labcorp
Classification: Pathogenic for Distal myopathy with posterior leg and anterior hand involvement; Myofibrillar myopathy 5; Hypertrophic cardiomyopathy 26. Last evaluated: 2024-08-03. Review status: criteria provided, single submitter. Criteria: Invitae Variant Classification Sherloc (09022015). Collection method: clinical testing. Allele origin: germline.
Comment: This sequence change creates a premature translational stop signal (p.Gly1760Profs*68) in the FLNC gene. It is expected to result in an absent or disrupted protein product. Loss-of-function variants in FLNC are known to be pathogenic (PMID: 27908349). This variant is not present in population databases (gnomAD no frequency). This variant has not been reported in the literature in individuals affected with FLNC-related conditions. Algorithms developed to predict the effect of sequence changes on RNA splicing suggest that this variant may disrupt the consensus splice site. For these reasons, this variant has been classified as Pathogenic.

Literature cited by the submitters: PubMed 27908349.